The following is an entry in ClinVar:

NM_000264.5(PTCH1):c.1903G>A (p.Asp635Asn)

Genes: PTCH1 (patched 1; minus strand), LOC100507346 (uncharacterized LOC100507346; plus strand). Cytogenetic location: 9q22.32.
Variant type: single nucleotide variant.
Coding change: c.1903G>A on transcript NM_000264.5 (MANE Select); coding-DNA position 1903, G replaced by A.
Protein change: p.Asp635Asn; replaces aspartic acid 635 with asparagine.
Molecular consequence: missense variant. On other transcripts: non-coding transcript variant (2).
Genome position (GRCh38, 1-based): chr9:95,469,098, C>T on the plus strand (G>A on the coding strand, the complement: PTCH1 is on the minus strand). VCF-style: chr9-95469098-C-T. GRCh37 (hg19) VCF-style: chr9-98231380-C-T.
Other names: c.1705G>A, p.Asp569Asn (NM_001083602.3); c.1900G>A, p.Asp634Asn (NM_001083603.3); c.1450G>A, p.Asp484Asn (NM_001083604.3, NM_001083605.3, NM_001083606.3 and 1 more transcripts); c.1747G>A, p.Asp583Asn (NM_001354918.2); short protein forms D635N, D569N, D484N, D634N, D583N.
Identifiers: ClinVar variation 453802 (VCV000453802.18), dbSNP rs372555269, ClinGen allele CA5138485.

ClinVar aggregate classification (germline): Conflicting classifications of pathogenicity. Review status: criteria provided, conflicting classifications (1 of 4 stars). 5 submissions from 5 submitters: Uncertain significance (2); Likely benign (3). Last evaluated 2026-07-17.

Conditions:
Hereditary cancer-predisposing syndrome. Also called: Tumor predisposition; Hereditary neoplastic syndrome; Neoplastic Syndromes, Hereditary; Hereditary Cancer Syndrome. Identifiers: Orphanet 140162, MedGen C0027672, MeSH D009386, MONDO:0015356.
Gorlin syndrome. Also called: Nevoid Basal Cell Carcinoma Syndrome; Basal cell nevus syndrome. Identifiers: Orphanet 377, MedGen C0004779, MONDO:0007187.
PTCH1-related disorder. Also called: PTCH1-related disorders; PTCH1-related condition.

Allele frequency attached by ClinVar (database versions not stated): TOPMed 0.00002; ESP Exome Variant Server 0.00008.
gnomAD v4.1: 85 of 1,613,826 alleles (0.0053%); highest among the groups gnomAD compares: Non-Finnish European, 0.0066%; no homozygotes.

Submissions (5):

PreventionGenetics, part of Exact Sciences
Classification: Likely benign for PTCH1-related condition. Last evaluated: 2026-07-17. Review status: criteria provided, single submitter. Criteria: ACMG Guidelines, 2015. Collection method: clinical testing. Allele origin: germline.
Comment: This variant is classified as likely benign based on ACMG/AMP sequence variant interpretation guidelines (Richards et al. 2015 PMID: 25741868, with internal and published modifications).

Labcorp Genetics (formerly Invitae), Labcorp
Classification: Likely benign for Gorlin syndrome. Last evaluated: 2026-01-27. Review status: criteria provided, single submitter. Criteria: Invitae Variant Classification Sherloc (09022015). Collection method: clinical testing. Allele origin: germline.

GeneDx
Classification: Uncertain significance. Last evaluated: 2024-11-14. Review status: criteria provided, single submitter. Criteria: GeneDx Variant Classification Process June 2021. Collection method: clinical testing. Allele origin: germline. Affected: yes.
Comment: In silico analysis indicates that this missense variant does not alter protein structure/function; Has not been previously published as pathogenic or benign to our knowledge; This variant is associated with the following publications: (PMID: 11331587, 29575684, 31925297, 30709382)

Institute for Clinical Genetics, University Hospital TU Dresden, University Hospital TU Dresden
Classification: Uncertain significance. Last evaluated: 2021-11-03. Review status: criteria provided, single submitter. Criteria: ACMG Guidelines, 2015. Collection method: clinical testing. Allele origin: germline.

Ambry Genetics
Classification: Likely benign for Hereditary cancer-predisposing syndrome. Last evaluated: 2021-04-09. Review status: criteria provided, single submitter. Criteria: Ambry Variant Classification Scheme 2023. Collection method: clinical testing. Allele origin: germline.